The following is an entry in ClinVar:

ClinVar aggregate classification (germline): Conflicting classifications of pathogenicity. Review status: criteria provided, conflicting classifications (1 of 4 stars). 2 submissions from 2 submitters: Likely pathogenic (1); Uncertain significance (1). Last evaluated 2025-06-22.

Conditions:
Autosomal recessive polycystic kidney disease (ARPKD). Also called: AR polycystic kidney disease. Identifiers: Orphanet 731, Orphanet 8378, MedGen C0085548, MeSH D017044, MONDO:0009889.

Submissions (2):

Guangxi Clinical Research Center for Birth Defects, Maternal and Child Health Hospital of Guangxi Zhuang Autonomous Region
Classification: Uncertain significance for Autosomal recessive polycystic kidney disease. Last evaluated: 2025-06-22. Review status: criteria provided, single submitter. Criteria: ACMG Guidelines, 2015. Collection method: research. Allele origin: maternal.
Comment: The NM_138694 c.9037T>C variant in PKHD1 results in the missense substitution p.Ser3013Pro (PVS1 not applicable). It was classified as “Uncertain significance” by the InterVar automated pipeline. The variant is absent or exhibits an extremely low allele frequency in public population databases such as gnomAD and ExAC, supporting the PM2 criterion. Multiple in silico prediction tools (SIFT, Polyphen2-HDIV, Polyphen2-HVAR, LRT) consistently indicate a deleterious effect (PP3). OMIM: 263200) and Caroli disease (internal data), consistent with PP4. The variant is present in a heterozygous state in all tested affected individuals. Definitive classification is hindered by the absence of the following evidence: 1) confirmation that it occurs in trans with another pathogenic PKHD1 variant; 2) functional validation; and 3) replication in unrelated pedigrees. Current evidence supports an assessment of Uncertain Significance based on criteria: PM2, PP3, PP4.

Natera, Inc.
Classification: Likely pathogenic for Autosomal recessive polycystic kidney disease. Last evaluated: 2025-03-25. Review status: criteria provided, single submitter. Criteria: Natera Variant Classification Schema (03/2026). Collection method: clinical testing. Allele origin: germline.
Comment: The c.9037T>C variant in PKHD1 is a missense variant predicted to cause substitution of serine to proline at amino acid 3013. This variant is rare in the general population with a frequency below the threshold expected for the associated phenotype(s). This variant has been observed in one or more individuals affected with the associated recessive disease, as either homozygous or compound heterozygous with a second variant (PMID: 37984685). This variant has been identified in one or more affected individuals with a phenotype highly consistent with the associated gene (PMID: 37984685). Computational prediction algorithms indicate this variant is likely to affect gene or protein function. Given the available evidence, this variant is classified as Likely Pathogenic.

Literature cited by the submitters: PubMed 37984685 (cited by Natera, Inc.).

NM_138694.4(PKHD1):c.9037T>C (p.Ser3013Pro)

Gene: PKHD1 (PKHD1 ciliary IPT domain containing fibrocystin/polyductin; minus strand). Cytogenetic location: 6p12.3.
Variant type: single nucleotide variant.
Coding change: c.9037T>C on transcript NM_138694.4 (MANE Select); coding-DNA position 9037, T replaced by C.
Protein change: p.Ser3013Pro; replaces serine 3013 with proline.
Molecular consequence: missense variant.
Genome position (GRCh38, 1-based): chr6:51,748,579, A>G on the plus strand (T>C on the coding strand, the complement: PKHD1 is on the minus strand). VCF-style: chr6-51748579-A-G. GRCh37 (hg19) VCF-style: chr6-51613377-A-G.
Other names: c.9037T>C, p.Ser3013Pro (NM_170724.3); short protein forms S3013P.
Identifiers: ClinVar variation 4060063 (VCV004060063.3).